The following is an entry in ClinVar:

NM_133459.4(CCBE1):c.57C>A (p.Ser19Arg)

Gene: CCBE1 (collagen and calcium binding EGF domains 1; minus strand). Cytogenetic location: 18q21.32.
Variant type: single nucleotide variant.
Coding change: c.57C>A on transcript NM_133459.4 (MANE Select); coding-DNA position 57, C replaced by A.
Protein change: p.Ser19Arg; replaces serine 19 with arginine.
Molecular consequence: missense variant.
Genome position (GRCh38, 1-based): chr18:59,697,286, G>T on the plus strand (C>A on the coding strand, the complement: CCBE1 is on the minus strand). VCF-style: chr18-59697286-G-T. GRCh37 (hg19) VCF-style: chr18-57364518-G-T.
Other names: short protein forms S19R.
Identifiers: ClinVar variation 2744157 (VCV002744157.3), dbSNP rs2511612950, ClinGen allele CA402717524.

ClinVar aggregate classification (germline): Uncertain significance (1 of 4 stars; one submission).

Submission:

Labcorp Genetics (formerly Invitae), Labcorp
Classification: Uncertain significance. Last evaluated: 2023-08-30. Review status: criteria provided, single submitter. Criteria: Invitae Variant Classification Sherloc (09022015). Collection method: clinical testing. Allele origin: germline.
Comment: This sequence change replaces serine, which is neutral and polar, with arginine, which is basic and polar, at codon 19 of the CCBE1 protein (p.Ser19Arg). This variant is not present in population databases (gnomAD no frequency). This variant has not been reported in the literature in individuals affected with CCBE1-related conditions. An algorithm developed to predict the effect of missense changes on protein structure and function (PolyPhen-2) suggests that this variant is likely to be disruptive. In summary, the available evidence is currently insufficient to determine the role of this variant in disease. Therefore, it has been classified as a Variant of Uncertain Significance.